The following is an entry in ClinVar:

NM_001142800.2(EYS):c.7748G>A (p.Arg2583His)

Gene: EYS (EGF-like photoreceptor maintenance factor; minus strand). Cytogenetic location: 6q12.
Variant type: single nucleotide variant.
Coding change: c.7748G>A on transcript NM_001142800.2 (MANE Select); coding-DNA position 7748, G replaced by A.
Protein change: p.Arg2583His; replaces arginine 2583 with histidine.
Molecular consequence: missense variant.
Genome position (GRCh38, 1-based): chr6:63,778,156, C>T on the plus strand (G>A on the coding strand, the complement: EYS is on the minus strand). VCF-style: chr6-63778156-C-T. GRCh37 (hg19) VCF-style: chr6-64488049-C-T.
Other names: c.7748G>A, p.Arg2583His (NM_001292009.2); short protein forms R2583H.
Identifiers: ClinVar variation 866973 (VCV000866973.8), dbSNP rs564020009, ClinGen allele CA364390743.

ClinVar aggregate classification (germline): Uncertain significance. Review status: criteria provided, multiple submitters, no conflicts (2 of 4 stars). 4 submissions from 4 submitters: Uncertain significance (3). 1 of the submissions does not count toward it. Last evaluated 2024-05-23.

Conditions:
Autosomal recessive retinitis pigmentosa. Identifiers: MedGen C0339526.
Inborn genetic diseases. Identifiers: MedGen C0950123, MeSH D030342.

Allele frequency attached by ClinVar (database versions not stated): TOPMed 0.00002.
gnomAD v4.1: 22 of 1,551,672 alleles (0.0014%); highest among the groups gnomAD compares: Non-Finnish European, 0.0017%; no homozygotes.

Submissions (4):

Labcorp Genetics (formerly Invitae), Labcorp
Classification: Uncertain significance. Last evaluated: 2024-05-23. Review status: criteria provided, single submitter. Criteria: Invitae Variant Classification Sherloc (09022015). Collection method: clinical testing. Allele origin: germline.
Comment: This sequence change replaces arginine, which is basic and polar, with histidine, which is basic and polar, at codon 2583 of the EYS protein (p.Arg2583His). This variant is present in population databases (no rsID available, gnomAD 0.003%). This missense change has been observed in individuals with clinical features of retinitis pigmentosa (Invitae). ClinVar contains an entry for this variant (Variation ID: 866973). Algorithms developed to predict the effect of missense changes on protein structure and function output the following: SIFT: "Not Available"; PolyPhen-2: "Benign"; Align-GVGD: "Not Available". The histidine amino acid residue is found in multiple mammalian species, which suggests that this missense change does not adversely affect protein function. In summary, the available evidence is currently insufficient to determine the role of this variant in disease. Therefore, it has been classified as a Variant of Uncertain Significance.

Blueprint Genetics
Classification: Uncertain significance. Last evaluated: 2022-09-14. Review status: criteria provided, single submitter. Criteria: ACMG Guidelines, 2015. Collection method: clinical testing. Allele origin: germline.

Ambry Genetics
Classification: Uncertain significance for Inborn genetic diseases. Last evaluated: 2022-08-02. Review status: criteria provided, single submitter. Criteria: Ambry Variant Classification Scheme 2023. Collection method: clinical testing. Allele origin: germline.

Natera, Inc.
Classification: Uncertain significance for Autosomal recessive retinitis pigmentosa. Last evaluated: 2020-08-25. Review status: no assertion criteria provided. Collection method: clinical testing. Allele origin: germline. Not counted in ClinVar's aggregate classification.